The following is an entry in ClinVar:

ClinVar aggregate classification (germline): Uncertain significance (1 of 4 stars; one submission).

Conditions:
Perrault syndrome. Also called: Gonadal dysgenesis with auditory dysfunction, autosomal recessive inheritance. Identifiers: Orphanet 2855, MedGen C0685838, MONDO:0017312.
Bifunctional peroxisomal enzyme deficiency (DBIF). Also called: D-bifunctional protein deficiency; PBFE DEFICIENCY; DBP DEFICIENCY. Identifiers: Orphanet 300, MedGen C0342870, MONDO:0009855, OMIM 261515. Disease mechanism: loss of function.

Allele frequency attached by ClinVar (database versions not stated): gnomAD exomes below 0.00001.
gnomAD v4.1: 3 of 1,606,028 alleles (0.00019%); highest among the groups gnomAD compares: Non-Finnish European, 0.00026%; no homozygotes.

Submission:

Labcorp Genetics (formerly Invitae), Labcorp
Classification: Uncertain significance for Perrault syndrome; Bifunctional peroxisomal enzyme deficiency. Last evaluated: 2022-04-15. Review status: criteria provided, single submitter. Criteria: Invitae Variant Classification Sherloc (09022015). Collection method: clinical testing. Allele origin: germline.
Comment: This sequence change replaces histidine, which is basic and polar, with tyrosine, which is neutral and polar, at codon 312 of the HSD17B4 protein (p.His312Tyr). This variant is present in population databases (no rsID available, gnomAD 0.0009%). This variant has not been reported in the literature in individuals affected with HSD17B4-related conditions. Advanced modeling of protein sequence and biophysical properties (such as structural, functional, and spatial information, amino acid conservation, physicochemical variation, residue mobility, and thermodynamic stability) performed at Invitae indicates that this missense variant is not expected to disrupt HSD17B4 protein function. In summary, the available evidence is currently insufficient to determine the role of this variant in disease. Therefore, it has been classified as a Variant of Uncertain Significance.

NM_000414.4(HSD17B4):c.934C>T (p.His312Tyr)

Gene: HSD17B4 (hydroxysteroid 17-beta dehydrogenase 4; plus strand). Cytogenetic location: 5q23.1.
Variant type: single nucleotide variant.
Coding change: c.934C>T on transcript NM_000414.4 (MANE Select); coding-DNA position 934, C replaced by T.
Protein change: p.His312Tyr; replaces histidine 312 with tyrosine.
Molecular consequence: missense variant. On other transcripts: non-coding transcript variant (2).
Genome position (GRCh38, 1-based): chr5:119,496,608, C>T. VCF-style: chr5-119496608-C-T. GRCh37 (hg19) VCF-style: chr5-118832303-C-T.
Other names: c.1009C>T, p.His337Tyr (NM_001199291.3); c.880C>T, p.His294Tyr (NM_001199292.2); c.862C>T, p.His288Tyr (NM_001292027.2); c.514C>T, p.His172Tyr (NM_001292028.2); c.925C>T, p.His309Tyr (NM_001374497.1); c.934C>T, p.His312Tyr (NM_001374498.1); c.607C>T, p.His203Tyr (NM_001374499.1); c.493C>T, p.His165Tyr (NM_001374500.1); and 1 more; short protein forms H165Y, H175Y, H172Y, H288Y, H294Y, H312Y, H337Y, H309Y.
Identifiers: ClinVar variation 2167676 (VCV002167676.2), dbSNP rs974081530, ClinGen allele CA125880164.